The following is an entry in ClinVar:

NM_021813.4(BACH2):c.2306G>A (p.Cys769Tyr)

Gene: BACH2 (BACH transcriptional regulator 2; minus strand). Cytogenetic location: 6q15.
Variant type: single nucleotide variant.
Coding change: c.2306G>A on transcript NM_021813.4 (MANE Select); coding-DNA position 2306, G replaced by A.
Protein change: p.Cys769Tyr; replaces cysteine 769 with tyrosine.
Molecular consequence: missense variant.
Genome position (GRCh38, 1-based): chr6:89,932,628, C>T on the plus strand (G>A on the coding strand, the complement: BACH2 is on the minus strand). VCF-style: chr6-89932628-C-T. GRCh37 (hg19) VCF-style: chr6-90642347-C-T.
Other names: c.2306G>A, p.Cys769Tyr (NM_001170794.2); short protein forms C769Y.
Identifiers: ClinVar variation 2062560 (VCV002062560.4), dbSNP rs2533537404, ClinGen allele CA365027205.

ClinVar aggregate classification (germline): Uncertain significance (1 of 4 stars; one submission).

Allele frequency attached by ClinVar (database versions not stated): gnomAD exomes below 0.00001.
gnomAD v4.1: 1 of 1,614,096 alleles (0.000062%); highest among the groups gnomAD compares: Non-Finnish European, 0.000085%; no homozygotes.

Submission:

Labcorp Genetics (formerly Invitae), Labcorp
Classification: Uncertain significance. Last evaluated: 2022-05-22. Review status: criteria provided, single submitter. Criteria: Invitae Variant Classification Sherloc (09022015). Collection method: clinical testing. Allele origin: germline.
Comment: In summary, the available evidence is currently insufficient to determine the role of this variant in disease. Therefore, it has been classified as a Variant of Uncertain Significance. Algorithms developed to predict the effect of missense changes on protein structure and function are either unavailable or do not agree on the potential impact of this missense change (SIFT: "Deleterious"; PolyPhen-2: "Benign"; Align-GVGD: "Class C0"). This variant has not been reported in the literature in individuals affected with BACH2-related conditions. This variant is not present in population databases (gnomAD no frequency). This sequence change replaces cysteine, which is neutral and slightly polar, with tyrosine, which is neutral and polar, at codon 769 of the BACH2 protein (p.Cys769Tyr).